The following is an entry in ClinVar:

ClinVar aggregate classification (germline): Uncertain significance. Review status: criteria provided, multiple submitters, no conflicts (2 of 4 stars). 2 submissions from 2 submitters: Uncertain significance (2). Last evaluated 2025-01-27.

gnomAD v4.1: 7 of 1,540,780 alleles (0.00045%); highest among the groups gnomAD compares: Non-Finnish European, 0.00061%; no homozygotes.

Submissions (2):

Ambry Genetics
Classification: Uncertain significance. Last evaluated: 2025-01-27. Review status: criteria provided, single submitter. Criteria: Ambry Variant Classification Scheme 2023. Collection method: clinical testing. Allele origin: germline.

Labcorp Genetics (formerly Invitae), Labcorp
Classification: Uncertain significance. Last evaluated: 2022-07-01. Review status: criteria provided, single submitter. Criteria: Invitae Variant Classification Sherloc (09022015). Collection method: clinical testing. Allele origin: germline.
Comment: This sequence change replaces glutamic acid, which is acidic and polar, with alanine, which is neutral and non-polar, at codon 8 of the WNT2B protein (p.Glu8Ala). This variant is not present in population databases (gnomAD no frequency). This variant has not been reported in the literature in individuals affected with WNT2B-related conditions. Algorithms developed to predict the effect of missense changes on protein structure and function (SIFT, PolyPhen-2, Align-GVGD) all suggest that this variant is likely to be tolerated. In summary, the available evidence is currently insufficient to determine the role of this variant in disease. Therefore, it has been classified as a Variant of Uncertain Significance.

NM_024494.3(WNT2B):c.23A>C (p.Glu8Ala)

Genes: WNT2B (Wnt family member 2B; plus strand), LOC129931208 (ATAC-STARR-seq lymphoblastoid silent region 1200; plus strand). Cytogenetic location: 1p13.2.
Variant type: single nucleotide variant.
Coding change: c.23A>C on transcript NM_024494.3 (MANE Select); coding-DNA position 23, A replaced by C.
Protein change: p.Glu8Ala; replaces glutamic acid 8 with alanine.
Molecular consequence: missense variant. On other transcripts: intron variant (2).
Genome position (GRCh38, 1-based): chr1:112,509,285, A>C. VCF-style: chr1-112509285-A-C. GRCh37 (hg19) VCF-style: chr1-113051907-A-C.
Other names: c.126-5589A>C (NM_004185.4); c.-94-5589A>C (NM_001291880.1); c.23A>C (NM_024494.2); short protein forms E8A.
Identifiers: ClinVar variation 2100215 (VCV002100215.2), dbSNP rs1003281577, ClinGen allele CA341650552.